The following is an entry in ClinVar:

ClinVar aggregate classification (germline): Likely benign. Review status: criteria provided, multiple submitters, no conflicts (2 of 4 stars). 3 submissions from 3 submitters: Likely benign (3). Last evaluated 2026-04-27.

Conditions:
PLEC-related disorder. Also called: PLEC-related disorders; PLEC-related condition.
Epidermolysis bullosa simplex 5B, with muscular dystrophy (EBS5B). Also called: EPIDERMOLYSIS BULLOSA SIMPLEX AND LIMB-GIRDLE MUSCULAR DYSTROPHY; Epidermolysis bullosa simplex with muscular dystrophy. Identifiers: Orphanet 257, MedGen C2931072, MONDO:0009181, OMIM 226670.
Epidermolysis bullosa simplex 5C, with pyloric atresia (EBS5C). Also called: PLEC-Related Epidermolysis Bullosa with Pyloric Atresia; Epidermolysis bullosa simplex with pyloric atresia; PLEC1-Related Epidermolysis Bullosa with Pyloric Atresia. Identifiers: Orphanet 158684, MedGen C2677349, MONDO:0012807, OMIM 612138.
Epidermolysis bullosa simplex with nail dystrophy (EBS5D). Identifiers: MedGen C4225309, MONDO:0014661, OMIM 616487.
Autosomal recessive limb-girdle muscular dystrophy type 2Q (LGMDR17). Also called: MUSCULAR DYSTROPHY, LIMB-GIRDLE, AUTOSOMAL RECESSIVE 17. Identifiers: Orphanet 254361, MedGen C3150989, MONDO:0013390, OMIM 613723.
Epidermolysis bullosa simplex, Ogna type (EBS5A). Also called: Pidermolysis bullosa simplex 5A, Ogna type; EPIDERMOLYSIS BULLOSA SIMPLEX 5A, OGNA TYPE. Identifiers: Orphanet 79401, MedGen C0432317, MONDO:0007555, OMIM 131950.

Allele frequency attached by ClinVar (database versions not stated): ExAC 0.00003; gnomAD 0.00003 and 0.00004; TOPMed 0.00003; gnomAD exomes 0.00004.
gnomAD v4.1: 51 of 1,610,192 alleles (0.0032%); highest among the groups gnomAD compares: African/African-American, 0.0053%; no homozygotes.

Submissions (3):

PreventionGenetics, part of Exact Sciences
Classification: Likely benign for PLEC-related condition. Last evaluated: 2026-04-27. Review status: criteria provided, single submitter. Criteria: ACMG Guidelines, 2015. Collection method: clinical testing. Allele origin: germline.
Comment: This variant is classified as likely benign based on ACMG/AMP sequence variant interpretation guidelines (Richards et al. 2015 PMID: 25741868, with internal and published modifications).

Labcorp Genetics (formerly Invitae), Labcorp
Classification: Likely benign for Autosomal recessive limb-girdle muscular dystrophy type 2Q; Epidermolysis bullosa simplex, Ogna type; Epidermolysis bullosa simplex with nail dystrophy; Epidermolysis bullosa simplex 5C, with pyloric atresia; Epidermolysis bullosa simplex 5B, with muscular dystrophy. Last evaluated: 2025-04-23. Review status: criteria provided, single submitter. Criteria: Invitae Variant Classification Sherloc (09022015). Collection method: clinical testing. Allele origin: germline.

CeGaT Center for Human Genetics Tuebingen
Classification: Likely benign. Last evaluated: 2022-03-01. Review status: criteria provided, single submitter. Criteria: CeGaT Center For Human Genetics Tuebingen Variant Classification Criteria Version 2. Collection method: clinical testing. Allele origin: germline. Affected: yes. Observed: 1 variant allele.
Comment: PLEC: BP4, BP7

NM_201384.3(PLEC):c.12780C>T (p.Pro4260=)

Gene: PLEC (plectin; minus strand). Cytogenetic location: 8q24.3.
Variant type: single nucleotide variant.
Coding change: c.12780C>T on transcript NM_201384.3 (MANE Select); coding-DNA position 12780, C replaced by T.
Protein change: p.Pro4260=; no amino-acid change (proline 4260 retained).
Molecular consequence: synonymous variant.
Genome position (GRCh38, 1-based): chr8:143,917,041, G>A on the plus strand (C>T on the coding strand, the complement: PLEC is on the minus strand). VCF-style: chr8-143917041-G-A. GRCh37 (hg19) VCF-style: chr8-144991209-G-A.
Other names: c.12861C>T, p.Pro4287= (NM_000445.5); c.12738C>T, p.Pro4246= (NM_201378.4); c.12714C>T, p.Pro4238= (NM_201379.3); c.13191C>T, p.Pro4397= (NM_201380.4); c.12684C>T, p.Pro4228= (NM_201381.3); c.12780C>T, p.Pro4260= (NM_201382.4); c.12792C>T, p.Pro4264= (NM_201383.3); c.12861C>T (NM_000445.4).
Identifiers: ClinVar variation 1621458 (VCV001621458.33), dbSNP rs782590185, ClinGen allele CA4923982.